The following is an entry in ClinVar:

ClinVar aggregate classification (germline): Pathogenic (1 of 4 stars; one submission).

Conditions:
Autosomal recessive limb-girdle muscular dystrophy. Identifiers: Orphanet 102015, MedGen C2931907, MONDO:0015152.

Submission:

Myriad Genetics, Inc.
Classification: Pathogenic for Autosomal recessive limb-girdle muscular dystrophy. Last evaluated: 2024-03-06. Review status: criteria provided, single submitter. Criteria: Myriad Autosomal Dominant, Autosomal Recessive and X-Linked Classification Criteria (2023). Collection method: clinical testing. Allele origin: unknown.
Comment: NM_003494.3(DYSF):c.4396delC(L1466Sfs*20) is expected to be pathogenic in the context of dysferlinopathy. This variant is predicted to lead to an abnormal or absent protein product due to the creation of a premature termination codon in DYSF, a gene where loss-of-function variants are known to be pathogenic. Please note: this variant was assessed in the context of healthy population screening.

NM_001130987.2(DYSF):c.4450del (p.Leu1484fs)

Gene: DYSF (dysferlin; plus strand). Cytogenetic location: 2p13.2.
Variant type: Deletion.
Coding change: c.4450del on transcript NM_001130987.2 (MANE Select); coding-DNA position 4450, one base deleted (C; older notation c.4450delC).
Protein change: p.Leu1484fs; shifts the reading frame from leucine 1484.
Molecular consequence: frameshift variant.
Genome position (GRCh38, 1-based): chr2:71,613,396, C deleted; the last of 4 consecutive C bases (chr2:71,613,393-71,613,396); deleting any one gives the same sequence. VCF-style (leftmost placement, unchanged base first): chr2-71613392-GC-G. GRCh37 (hg19) VCF-style: chr2-71840522-GC-G.
Other names: c.4399del, p.Leu1467fs (NM_001130455.2, NM_001130983.2); c.4354del, p.Leu1452fs (NM_001130976.2, NM_001130977.2); c.4396del, p.Leu1466fs (NM_001130978.2, NM_003494.4); c.4489del, p.Leu1497fs (NM_001130979.2); c.4447del, p.Leu1483fs (NM_001130980.2, NM_001130981.2); c.4492del, p.Leu1498fs (NM_001130982.2); c.4357del, p.Leu1453fs (NM_001130984.2, NM_001130986.2); c.4450del, p.Leu1484fs (NM_001130985.2); short protein forms L1452fs, L1453fs, L1466fs, L1467fs, L1483fs, L1484fs, L1497fs, L1498fs.
Identifiers: ClinVar variation 5012802 (VCV005012802.1).
Genomic context (GRCh38, chr2:71,613,392, plus strand): 5'-AGACGATGTGAGCCTACTCAGTCCTGGGGAAGACGTGCTCATCGACATTGATGACAAGGA[GC>G]CCCTCATCCCCATCCAGGTAGGATGGGCATCCTCCAGGGAGGCCTGGGTCACCTTTCCCC-3'